The following is an entry in ClinVar:

NM_000059.4(BRCA2):c.4892A>G (p.Lys1631Arg)

Gene: BRCA2 (BRCA2 DNA repair associated; plus strand). Cytogenetic location: 13q13.1.
Variant type: single nucleotide variant.
Coding change: c.4892A>G on transcript NM_000059.4 (MANE Select); coding-DNA position 4892, A replaced by G.
Protein change: p.Lys1631Arg; replaces lysine 1631 with arginine.
Molecular consequence: missense variant. On other transcripts: non-coding transcript variant (1), intron variant (2).
Genome position (GRCh38, 1-based): chr13:32,339,247, A>G. VCF-style: chr13-32339247-A-G. GRCh37 (hg19) VCF-style: chr13-32913384-A-G.
Other names: c.4892A>G, p.Lys1631Arg (NM_001406719.1, NM_001406720.1); c.1910-5311A>G (NM_001406721.1); c.425-5311A>G (NM_001406722.1); short protein forms K1631R.
Identifiers: ClinVar variation 2451476 (VCV002451476.2), dbSNP rs587781573, ClinGen allele CA387783526.

ClinVar aggregate classification (germline): Uncertain significance (1 of 4 stars; one submission).

Conditions:
Hereditary cancer-predisposing syndrome. Also called: Neoplastic Syndromes, Hereditary; Tumor predisposition; Hereditary neoplastic syndrome; Hereditary Cancer Syndrome. Identifiers: Orphanet 140162, MedGen C0027672, MeSH D009386, MONDO:0015356.

Submission:

Ambry Genetics
Classification: Uncertain significance for Hereditary cancer-predisposing syndrome. Last evaluated: 2022-11-10. Review status: criteria provided, single submitter. Criteria: Ambry Variant Classification Scheme 2023. Collection method: clinical testing. Allele origin: germline.
Comment: The p.K1631R variant (also known as c.4892A>G), located in coding exon 10 of the BRCA2 gene, results from an A to G substitution at nucleotide position 4892. The lysine at codon 1631 is replaced by arginine, an amino acid with highly similar properties. This amino acid position is conserved. In addition, this alteration is predicted to be tolerated by in silico analysis. Since supporting evidence is limited at this time, the clinical significance of this alteration remains unclear.